The following is an entry in ClinVar:

ClinVar aggregate classification (germline): Conflicting classifications of pathogenicity. Review status: criteria provided, conflicting classifications (1 of 4 stars). 2 submissions from 2 submitters: Likely pathogenic (1); Uncertain significance (1). Last evaluated 2022-09-06.

Allele frequency attached by ClinVar (database versions not stated): gnomAD exomes below 0.00001; TOPMed below 0.00001; gnomAD 0.00003.
gnomAD v4.1: 14 of 1,612,472 alleles (0.00087%); highest among the groups gnomAD compares: Middle Eastern, 0.033%; no homozygotes.

Submissions (4):

Labcorp Genetics (formerly Invitae), Labcorp
Classification: Likely pathogenic. Last evaluated: 2022-09-06. Review status: criteria provided, single submitter. Criteria: Invitae Variant Classification Sherloc (09022015). Collection method: clinical testing. Allele origin: germline.
Comment: This sequence change affects a donor splice site in intron 25 of the TTLL5 gene. It is expected to disrupt RNA splicing. Variants that disrupt the donor or acceptor splice site typically lead to a loss of protein function (PMID: 16199547), and loss-of-function variants in TTLL5 are known to be pathogenic (PMID: 24791901, 27162334). This variant is present in population databases (no rsID available, gnomAD 0.003%). This variant has not been reported in the literature in individuals affected with TTLL5-related conditions. ClinVar contains an entry for this variant (Variation ID: 1525698). Algorithms developed to predict the effect of sequence changes on RNA splicing suggest that this variant may disrupt the consensus splice site. In summary, the currently available evidence indicates that the variant is pathogenic, but additional data are needed to prove that conclusively. Therefore, this variant has been classified as Likely Pathogenic.

Blueprint Genetics
Classification: Uncertain significance. Last evaluated: 2021-01-15. Review status: criteria provided, single submitter. Criteria: ACMG Guidelines, 2015. Collection method: clinical testing. Allele origin: germline.

Dr. Peter K. Rogan Lab, Western University
No classification provided (evidence only). Condition: Colon adenocarcinoma. Review status: no classification provided. Collection method: in vitro. Allele origin: not applicable. Functional consequence: skipped exon, retained intron. Not counted in ClinVar's aggregate classification.

Dr. Peter K. Rogan Lab, Western University
No classification provided (evidence only). Condition: Colon adenocarcinoma. Review status: no classification provided. Collection method: in vitro. Allele origin: not applicable. Functional consequence: skipped exon. Not counted in ClinVar's aggregate classification.

Literature cited by the submitters: PubMed 16199547 (cited by Labcorp Genetics (formerly Invitae), Labcorp); PubMed 24791901 (cited by Labcorp Genetics (formerly Invitae), Labcorp); PubMed 27162334 (cited by Labcorp Genetics (formerly Invitae), Labcorp).

NM_015072.5(TTLL5):c.2602+1G>A

Gene: TTLL5 (tubulin tyrosine ligase like 5; plus strand). Cytogenetic location: 14q24.3.
Variant type: single nucleotide variant.
Coding change: c.2602+1G>A on transcript NM_015072.5 (MANE Select); the canonical splice donor site of the intron after coding-DNA position 2602, G replaced by A.
Molecular consequence: splice donor variant.
Genome position (GRCh38, 1-based): chr14:75,782,574, G>A. VCF-style: chr14-75782574-G-A. GRCh37 (hg19) VCF-style: chr14-76248917-G-A.
Identifiers: ClinVar variation 1525698 (VCV001525698.7), dbSNP rs867401129, ClinGen allele CA263705256.